The following is an entry in ClinVar:

ClinVar aggregate classification (germline): Uncertain significance (1 of 4 stars; one submission).

Submission:

Labcorp Genetics (formerly Invitae), Labcorp
Classification: Uncertain significance. Last evaluated: 2025-04-23. Review status: criteria provided, single submitter. Criteria: Invitae Variant Classification Sherloc (09022015). Collection method: clinical testing. Allele origin: germline.
Comment: This sequence change replaces lysine, which is basic and polar, with glutamine, which is neutral and polar, at codon 913 of the MYH3 protein (p.Lys913Gln). This variant is not present in population databases (gnomAD no frequency). This variant has not been reported in the literature in individuals affected with MYH3-related conditions. Invitae Evidence Modeling of protein sequence and biophysical properties (such as structural, functional, and spatial information, amino acid conservation, physicochemical variation, residue mobility, and thermodynamic stability) has been performed for this missense variant. However, the output from this modeling did not meet the statistical confidence thresholds required to predict the impact of this variant on MYH3 protein function. In summary, the available evidence is currently insufficient to determine the role of this variant in disease. Therefore, it has been classified as a Variant of Uncertain Significance.

NM_002470.4(MYH3):c.2737A>C (p.Lys913Gln)

Gene: MYH3 (myosin heavy chain 3; minus strand). Cytogenetic location: 17p13.1.
Variant type: single nucleotide variant.
Coding change: c.2737A>C on transcript NM_002470.4 (MANE Select); coding-DNA position 2737, A replaced by C.
Protein change: p.Lys913Gln; replaces lysine 913 with glutamine.
Molecular consequence: missense variant.
Genome position (GRCh38, 1-based): chr17:10,639,748, T>G on the plus strand (A>C on the coding strand, the complement: MYH3 is on the minus strand). VCF-style: chr17-10639748-T-G. GRCh37 (hg19) VCF-style: chr17-10543065-T-G.
Other names: short protein forms K913Q.
Identifiers: ClinVar variation 4800675 (VCV004800675.1).
Genomic context (GRCh38, chr17:10,639,748, plus strand): 5'-TCTCCTCCTCATCTTCAGCTCTCTCTGTCACCTCCTTGATCTTGGCCTCGAGCTGGAATT[T>G]GGCTTTGATCAGCTGATCGCATCTTTCCTCAGCATCCAACAAATTTTCGCTTTCCTTAAA-3'
Protein context (NP_002461.2, residues 903-923): EERCDQLIKA[Lys913Gln]FQLEAKIKEV